The following is an entry in ClinVar:

ClinVar aggregate classification (germline): Conflicting classifications of pathogenicity. Review status: criteria provided, conflicting classifications (1 of 4 stars). 9 submissions from 9 submitters: Uncertain significance (5); Likely benign (2). 2 of the submissions do not count toward it. Last evaluated 2026-01-17.

Conditions:
Hereditary cancer-predisposing syndrome. Also called: Tumor predisposition; Hereditary Cancer Syndrome; Neoplastic Syndromes, Hereditary; Hereditary neoplastic syndrome. Identifiers: Orphanet 140162, MedGen C0027672, MeSH D009386, MONDO:0015356.
Hereditary breast ovarian cancer syndrome. Also called: Breast and ovarian cancer; Hereditary breast and ovarian cancer; Hereditary breast and ovarian cancer syndrome; BRCA1- and BRCA2-Associated Hereditary Breast and Ovarian Cancer; Hereditary breast and ovarian cancer syndrome (HBOC); Hereditary breast and/or ovarian cancer syndrome. Identifiers: Orphanet 145, MedGen C0677776, MeSH D061325, MONDO:0003582. Disease mechanism: loss of function.
Breast-ovarian cancer, familial, susceptibility to, 2 (BROVCA2). Also called: BRCA2 Hereditary Breast and Ovarian Cancer. Identifiers: Orphanet 145, MedGen C2675520, MONDO:0012933, OMIM 612555. Disease mechanism: loss of function.

Allele frequency attached by ClinVar (database versions not stated): gnomAD exomes 0.00002; ExAC 0.00003; gnomAD 0.00003 and 0.00004; TOPMed 0.00008.
gnomAD v4.1: 19 of 1,612,782 alleles (0.0012%); highest among the groups gnomAD compares: African/African-American, 0.012%; no homozygotes.

Submissions (9):

Labcorp Genetics (formerly Invitae), Labcorp
Classification: Likely benign for Hereditary breast ovarian cancer syndrome. Last evaluated: 2026-01-17. Review status: criteria provided, single submitter. Criteria: Invitae Variant Classification Sherloc (09022015). Collection method: clinical testing. Allele origin: germline.

Women's Health and Genetics/Laboratory Corporation of America, LabCorp
Classification: Uncertain significance. Last evaluated: 2025-07-14. Review status: criteria provided, single submitter. Criteria: LabCorp Variant Classification Summary - May 2015. Collection method: clinical testing. Allele origin: germline.
Comment: Variant summary: BRCA2 c.8755-19A>G alters a nucleotide located at a position not widely known to affect splicing. Several computational tools predict a significant impact on normal splicing: Four predict the variant creates a novel 3' acceptor site, 18 nucleotides upstream from the original site, which would result in an in-frame insertion of 6 amino acids if utilized. At least one publication reports experimental evidence that confirmed this prediction, by demonstrating that this variant affects mRNA splicing in patient derived cells, resulting in the in-frame insertion of 18 intronic nucleotides (Ha_2023). The variant allele was found at a frequency of 2e-05 in 249352 control chromosomes (gnomAD). The available data on variant occurrences in the general population are insufficient to allow any conclusion about variant significance. c.8755-19A>G has been observed in individuals with personal or and/or family history of breast- or ovarian cancer without strong evidence for causality (e.g. Torres_2017, Abdel-Razeq_2021, Dong_2021, Abdel-Razeq_2022, Ha_2023), in addition, in one of these cases a co-occurring pathogenic BRCA1 variant could potentially explain the phenotype (Ha_2023). These reports do not provide unequivocal conclusions about association of the variant with Hereditary Breast And Ovarian Cancer Syndrome. The following publications have been ascertained in the context of this evaluation (PMID: 35402282, 34290354, 32467295, 28680148, 37900184). ClinVar contains an entry for this variant (Variation ID: 91734). Based on the evidence outlined above, the variant was classified as uncertain significance.

ARUP Laboratories, Molecular Genetics and Genomics, ARUP Laboratories
Classification: Uncertain significance. Last evaluated: 2023-05-09. Review status: criteria provided, single submitter. Criteria: ARUP Molecular Germline Variant Investigation Process 2024. Collection method: clinical testing. Allele origin: germline.
Comment: The BRCA2 c.8755-19A>G variant (rs398122713) is reported in the literature in at least one individual affected with breast cancer (Torres 2017). This variant is also reported in ClinVar (Variation ID: 91734), and is only observed on six alleles in the Genome Aggregation Database, indicating it is not a common polymorphism. This is an intronic variant in a weakly conserved nucleotide, but computational analyses (Alamut v.2.11) predict that this variant may impact splicing by weakening the nearby canonical acceptor splice site and creating a novel cryptic acceptor splice site. However, without functional studies the effect on splicing is unknown. Due to limited information, the clinical significance of the c.8755-19A>G variant is uncertain at this time. References: Torres et al. Prevalence and Penetrance of BRCA1 and BRCA2 Germline Mutations in Colombian Breast Cancer Patients. Sci Rep. 2017 Jul 5;7(1):4713.

Sema4
Classification: Uncertain significance for Hereditary cancer-predisposing syndrome. Last evaluated: 2021-05-03. Review status: criteria provided, single submitter. Criteria: Sema4 Curation Guidelines. Collection method: curation. Allele origin: germline.
Comment: The BRCA2 c.8755-19A>G variant has been reported in 1 individual with breast or ovarian cancer (PMID 28680148). This variant was observed in 2/24708 chromosomes in the African/African American population in the large and broad cohorts of the Genome Aggregation Database (PMID: 32461654). The variant has been reported in Clinvar (Variation ID 91734). In silico tools suggest this variant may impact splicing, although these predictions have not been confirmed by functional studies. The overall evidence is insufficient to meet ACMG/AMP criteria for classifying it as benign or pathogenic. Thus, the clinical significance of this variant is currently uncertain.

GeneDx
Classification: Uncertain significance. Last evaluated: 2018-05-01. Review status: criteria provided, single submitter. Criteria: GeneDx Variant Classification (06012015). Collection method: clinical testing. Allele origin: germline. Affected: yes.
Comment: This variant is denoted BRCA2 c.8755-19A>G or IVS21-19A>G and consists of a A>G nucleotide substitution at the -19 position of intron 21 of the BRCA2 gene. Using alternate nomenclature, this variant would be defined as BRCA2 8983-19A>G. Multiple in silico models predict that this variant results in the gain of a cryptic splice acceptor site upstream of the natural splice acceptor site, possibly leading to abnormal gene splicing. However, in the absence of RNA or functional studies, the actual effect of this variant is unknown. This variant has not, to our knowledge, been published in the literature as pathogenic or benign. BRCA2 c.8755-19A>G was not observed at a significant allele frequency in large population cohorts (NHLBI Exome Sequencing Project, The 1000 Genomes Consortium 2015, Lek 2016). The adenine (A) nucleotide that is altered is not conserved. Based on currently available evidence, it is unclear whether BRCA2 c.8755-19A>G is a pathogenic or benign variant. We consider it to be a variant of uncertain significance.

PreventionGenetics, part of Exact Sciences
Classification: Uncertain significance. Last evaluated: 2017-10-04. Review status: criteria provided, single submitter. Criteria: ACMG Guidelines, 2015. Collection method: clinical testing. Allele origin: germline.

Color Diagnostics, LLC DBA Color Health
Classification: Likely benign for Hereditary cancer-predisposing syndrome. Last evaluated: 2017-06-20. Review status: criteria provided, single submitter. Criteria: ACMG Guidelines, 2015. Collection method: clinical testing. Allele origin: germline.

Counsyl
Classification: Likely benign for Breast-ovarian cancer, familial, susceptibility to, 2. Last evaluated: 2018-06-13. Review status: no assertion criteria provided. Collection method: clinical testing. Allele origin: unknown. Not counted in ClinVar's aggregate classification.

Sharing Clinical Reports Project (SCRP)
Classification: Likely benign for Breast-ovarian cancer, familial 2. Last evaluated: 2014-06-11. Review status: no assertion criteria provided. Collection method: clinical testing. Allele origin: germline. Not counted in ClinVar's aggregate classification.

Literature cited by the submitters: PubMed 28680148 (cited by 3 submitters); PubMed 32467295 (cited by Women's Health and Genetics/Laboratory Corporation of America, LabCorp); PubMed 34290354 (cited by Women's Health and Genetics/Laboratory Corporation of America, LabCorp); PubMed 35402282 (cited by Women's Health and Genetics/Laboratory Corporation of America, LabCorp); PubMed 37900184 (cited by Women's Health and Genetics/Laboratory Corporation of America, LabCorp).

NM_000059.4(BRCA2):c.8755-19A>G

Gene: BRCA2 (BRCA2 DNA repair associated; plus strand). Cytogenetic location: 13q13.1.
Variant type: single nucleotide variant.
Coding change: c.8755-19A>G on transcript NM_000059.4 (MANE Select); 19 bases into the intron before coding-DNA position 8755, A replaced by G.
Molecular consequence: intron variant.
Genome position (GRCh38, 1-based): chr13:32,379,298, A>G. VCF-style: chr13-32379298-A-G. GRCh37 (hg19) VCF-style: chr13-32953435-A-G.
Other names: IVS21-19A>G.
Identifiers: ClinVar variation 91734 (VCV000091734.28), dbSNP rs398122713, ClinGen allele CA025811.